The following is an entry in ClinVar:

NM_000465.4(BARD1):c.215+14G>A

Gene: BARD1 (BRCA1 associated RING domain 1; minus strand). Cytogenetic location: 2q35.
Variant type: single nucleotide variant.
Coding change: c.215+14G>A on transcript NM_000465.4 (MANE Select); 14 bases into the intron after coding-DNA position 215, G replaced by A.
Molecular consequence: intron variant.
Genome position (GRCh38, 1-based): chr2:214,797,047, C>T on the plus strand (G>A on the coding strand, the complement: BARD1 is on the minus strand). VCF-style: chr2-214797047-C-T. GRCh37 (hg19) VCF-style: chr2-215661771-C-T.
Other names: c.215+14G>A (LRG_297t1, NM_001282545.2, NM_001282549.2); c.158+12365G>A (NM_001282548.2); c.159-4602G>A (NM_001282543.2).
Identifiers: ClinVar variation 381247 (VCV000381247.12), dbSNP rs1057520992, ClinGen allele CA16604108.

ClinVar aggregate classification (germline): Likely benign. Review status: criteria provided, multiple submitters, no conflicts (2 of 4 stars). 3 submissions from 3 submitters: Likely benign (3). Last evaluated 2025-11-05.

Conditions:
Hereditary cancer-predisposing syndrome. Also called: Tumor predisposition; Hereditary neoplastic syndrome; Neoplastic Syndromes, Hereditary; Hereditary Cancer Syndrome. Identifiers: Orphanet 140162, MedGen C0027672, MeSH D009386, MONDO:0015356.
Familial cancer of breast. Also called: hereditary breast carcinoma; Hereditary breast cancer; BREAST CANCER, FAMILIAL. Identifiers: Orphanet 227535, MedGen C0346153, MONDO:0016419, OMIM 114480. Disease mechanism: loss of function.

Submissions (3):

Labcorp Genetics (formerly Invitae), Labcorp
Classification: Likely benign for Familial cancer of breast. Last evaluated: 2025-11-05. Review status: criteria provided, single submitter. Criteria: Invitae Variant Classification Sherloc (09022015). Collection method: clinical testing. Allele origin: germline.

Color Diagnostics, LLC DBA Color Health
Classification: Likely benign for Hereditary cancer-predisposing syndrome. Last evaluated: 2018-11-26. Review status: criteria provided, single submitter. Criteria: ACMG Guidelines, 2015. Collection method: clinical testing. Allele origin: germline.

GeneDx
Classification: Likely benign. Last evaluated: 2015-11-02. Review status: criteria provided, single submitter. Criteria: GeneDx Variant Classification (06012015). Collection method: clinical testing. Allele origin: germline. Affected: yes.
Comment: This variant is considered likely benign or benign based on one or more of the following criteria: it is a conservative change, it occurs at a poorly conserved position in the protein, it is predicted to be benign by multiple in silico algorithms, and/or has population frequency not consistent with disease.